The following is an entry in ClinVar:

ClinVar aggregate classification (germline): Conflicting classifications of pathogenicity. Review status: criteria provided, conflicting classifications (1 of 4 stars). 3 submissions from 3 submitters: Likely pathogenic (1); Uncertain significance (2). Last evaluated 2024-12-17.

Conditions:
Febrile seizures, familial, 4 (FEB4). Also called: CONVULSIONS, FAMILIAL FEBRILE, 4. Identifiers: MedGen C1858493, MONDO:0011443, OMIM 604352.

Allele frequency attached by ClinVar (database versions not stated): gnomAD 0.00001; TOPMed 0.00001.

Submissions (3):

GeneDx
Classification: Uncertain significance. Last evaluated: 2024-12-17. Review status: criteria provided, single submitter. Criteria: GeneDx Variant Classification Process June 2021. Collection method: clinical testing. Allele origin: germline.
Comment: Initiation codon variant in a gene for which loss of function is a known mechanism of disease; a nearby downstream initiation codon is present in this transcript; Not observed at significant frequency in large population cohorts (gnomAD); Has not been previously published as pathogenic or benign to our knowledge; This variant is associated with the following publications: (PMID: 31964843)

Women's Health and Genetics/Laboratory Corporation of America, LabCorp
Classification: Uncertain significance. Last evaluated: 2024-11-20. Review status: criteria provided, single submitter. Criteria: LabCorp Variant Classification Summary - May 2015. Collection method: clinical testing. Allele origin: germline.
Comment: Variant summary: ADGRV1 c.3G>A (p.Met1Ile) alters the initiation codon and is predicted to result either in absence of the protein or truncation of the encoded protein due to translation initiation at a downstream codon. Three of five in-silico tools predict a benign effect of the variant on protein function. The variant allele was found at a frequency of 6.1e-06 in 164410 control chromosomes. The available data on variant occurrences in the general population are insufficient to allow any conclusion about variant significance. c.3G>A has not been reported in the literature in individuals affected with Usher Syndrome. To our knowledge, no experimental evidence demonstrating an impact on protein function has been reported. ClinVar contains an entry for this variant (Variation ID: 2430778). Based on the evidence outlined above, the variant was classified as uncertain significance.

Department of Pathology and Laboratory Medicine, Sinai Health System
Classification: Likely pathogenic for Febrile seizures, familial, 4. Last evaluated: 2023-04-03. Review status: criteria provided, single submitter. Criteria: ACMG Guidelines, 2015. Collection method: research. Allele origin: germline.

Literature cited by the submitters: PubMed 31964843 (cited by Women's Health and Genetics/Laboratory Corporation of America, LabCorp).

NM_032119.4(ADGRV1):c.3G>A (p.Met1Ile)

Gene: ADGRV1 (adhesion G protein-coupled receptor V1; plus strand). Cytogenetic location: 5q14.3.
Variant type: single nucleotide variant.
Coding change: c.3G>A on transcript NM_032119.4 (MANE Select); coding-DNA position 3, G replaced by A.
Protein change: p.Met1Ile; changes the start codon (methionine 1).
Molecular consequence: missense variant, initiator codon variant. On other transcripts: non-coding transcript variant (1).
Genome position (GRCh38, 1-based): chr5:90,558,898, G>A. VCF-style: chr5-90558898-G-A. GRCh37 (hg19) VCF-style: chr5-89854715-G-A.
Other names: short protein forms M1I.
Identifiers: ClinVar variation 2430778 (VCV002430778.5), dbSNP rs1228352007, ClinGen allele CA360363025.